The following is an entry in ClinVar:

NM_004006.3(DMD):c.3403A>G (p.Asn1135Asp)

Gene: DMD (dystrophin; minus strand). Cytogenetic location: Xp21.1.
Variant type: single nucleotide variant.
Coding change: c.3403A>G on transcript NM_004006.3 (MANE Select); coding-DNA position 3403, A replaced by G.
Protein change: p.Asn1135Asp; replaces asparagine 1135 with aspartic acid.
Molecular consequence: missense variant.
Genome position (GRCh38, 1-based): chrX:32,463,468, T>C on the plus strand (A>G on the coding strand, the complement: DMD is on the minus strand). VCF-style: chrX-32463468-T-C. GRCh37 (hg19) VCF-style: chrX-32481585-T-C.
Other names: c.3379A>G, p.Asn1127Asp (NM_000109.4); c.3391A>G, p.Asn1131Asp (NM_004009.3); c.3034A>G, p.Asn1012Asp (NM_004010.3); short protein forms N1135D, N1012D, N1127D, N1131D.
Identifiers: ClinVar variation 526057 (VCV000526057.8), dbSNP rs753384771, ClinGen allele CA10379293.

ClinVar aggregate classification (germline): Uncertain significance. Review status: criteria provided, single submitter (1 of 4 stars). 2 submissions from 2 submitters: Uncertain significance (1). 1 of the submissions does not count toward it. Last evaluated 2025-10-27.

Conditions:
Dystrophin deficiency.
Cardiomyopathy (CMYO). Also called: Cardiomyopathies. Identifiers: Orphanet 167848, MedGen C0878544, MONDO:0004994, HP:0001638. Inheritance: Various modes of inheritance.
Becker muscular dystrophy (BMD). Also called: Becker Muscular Dystrophy (BMD); MUSCULAR DYSTROPHY, PSEUDOHYPERTROPHIC PROGRESSIVE, BECKER TYPE. Identifiers: Orphanet 98895, MedGen C0917713, MONDO:0010311, OMIM 300376.
Duchenne muscular dystrophy (DMD). Also called: Duchenne Muscular Dystrophy (DMD); MUSCULAR DYSTROPHY, PSEUDOHYPERTROPHIC PROGRESSIVE, DUCHENNE TYPE. Identifiers: Orphanet 98896, MedGen C0013264, MONDO:0010679, OMIM 310200.

Allele frequency attached by ClinVar (database versions not stated): gnomAD 0.00001 and 0.00002; gnomAD exomes 0.00001 and below 0.00001; TOPMed 0.00001; ExAC 0.00002; 1000 Genomes Project 30x 0.00021; 1000 Genomes Project 0.00026.
gnomAD v4.1: 3 of 1,206,861 alleles (0.00025%); highest among the groups gnomAD compares: Admixed American, 0.0066%; no homozygotes.

Submissions (2):

Labcorp Genetics (formerly Invitae), Labcorp
Classification: Uncertain significance for Duchenne muscular dystrophy. Last evaluated: 2025-10-27. Review status: criteria provided, single submitter. Criteria: Invitae Variant Classification Sherloc (09022015). Collection method: clinical testing. Allele origin: germline.
Comment: This sequence change replaces asparagine, which is neutral and polar, with aspartic acid, which is acidic and polar, at codon 1135 of the DMD protein (p.Asn1135Asp). The frequency data for this variant in the population databases is considered unreliable, as metrics indicate poor data quality at this position in the gnomAD database. This variant has not been reported in the literature in individuals affected with DMD-related conditions. ClinVar contains an entry for this variant (Variation ID: 526057). Invitae Evidence Modeling of protein sequence and biophysical properties (such as structural, functional, and spatial information, amino acid conservation, physicochemical variation, residue mobility, and thermodynamic stability) indicates that this missense variant is not expected to disrupt DMD protein function with a negative predictive value of 95%. In summary, the available evidence is currently insufficient to determine the role of this variant in disease. Therefore, it has been classified as a Variant of Uncertain Significance.

Natera, Inc.
Classification: Uncertain significance for Becker muscular dystrophy; Cardiomyopathy; Duchenne muscular dystrophy; Dystrophin deficiency. Last evaluated: 2018-06-18. Review status: no assertion criteria provided. Collection method: clinical testing. Allele origin: germline. Not counted in ClinVar's aggregate classification.